The following is an entry in ClinVar:

NM_001382391.1(CSPP1):c.-138C>A

Gene: CSPP1 (centrosome and spindle pole associated protein 1; plus strand). Cytogenetic location: 8q13.1.
Variant type: single nucleotide variant.
Coding change: c.-138C>A on transcript NM_001382391.1 (MANE Select); 138 bases upstream of the start codon, C replaced by A.
Molecular consequence: 5 prime UTR variant. On other transcripts: missense variant (3).
Genome position (GRCh38, 1-based): chr8:67,064,411, C>A. VCF-style: chr8-67064411-C-A. GRCh37 (hg19) VCF-style: chr8-67976646-C-A.
Other names: c.-138C>A (NM_001363131.2, NM_001363132.2, NM_001363133.2); c.13C>A, p.Leu5Ile (NM_001364869.1, NM_001364870.1, NM_024790.7); short protein forms L5I.
Identifiers: ClinVar variation 1429803 (VCV001429803.5), dbSNP rs373705126, ClinGen allele CA371208440.

ClinVar aggregate classification (germline): Uncertain significance (1 of 4 stars; one submission).

Conditions:
Joubert syndrome 21 (JBTS21). Identifiers: MedGen C3810212, MONDO:0014288, OMIM 615636.

Submission:

Labcorp Genetics (formerly Invitae), Labcorp
Classification: Uncertain significance for Joubert syndrome 21. Last evaluated: 2022-08-16. Review status: criteria provided, single submitter. Criteria: Invitae Variant Classification Sherloc (09022015). Collection method: clinical testing. Allele origin: germline.
Comment: This sequence change replaces leucine, which is neutral and non-polar, with isoleucine, which is neutral and non-polar, at codon 5 of the CSPP1 protein (p.Leu5Ile). The frequency data for this variant in the population databases is considered unreliable, as metrics indicate poor data quality at this position in the gnomAD database. This variant has not been reported in the literature in individuals affected with CSPP1-related conditions. ClinVar contains an entry for this variant (Variation ID: 1429803). Algorithms developed to predict the effect of missense changes on protein structure and function (SIFT, PolyPhen-2, Align-GVGD) all suggest that this variant is likely to be tolerated. In summary, the available evidence is currently insufficient to determine the role of this variant in disease. Therefore, it has been classified as a Variant of Uncertain Significance.